The following is an entry in ClinVar:

NM_001370466.1(NOD2):c.176G>A (p.Arg59Lys)

Gene: NOD2 (nucleotide binding oligomerization domain containing 2; plus strand). Cytogenetic location: 16q12.1.
Variant type: single nucleotide variant.
Coding change: c.176G>A on transcript NM_001370466.1 (MANE Select); coding-DNA position 176, G replaced by A.
Protein change: p.Arg59Lys; replaces arginine 59 with lysine.
Molecular consequence: missense variant. On other transcripts: non-coding transcript variant (1).
Genome position (GRCh38, 1-based): chr16:50,699,671, G>A. VCF-style: chr16-50699671-G-A. GRCh37 (hg19) VCF-style: chr16-50733582-G-A.
Other names: c.176G>A, p.Arg59Lys (NM_001293557.2); c.257G>A, p.Arg86Lys (NM_022162.3); short protein forms R86K, R59K.
Identifiers: ClinVar variation 2945987 (VCV002945987.3), dbSNP rs772287143, ClinGen allele CA8051233.

ClinVar aggregate classification (germline): Uncertain significance (1 of 4 stars; one submission).

Conditions:
Regional enteritis. Also called: Enteritis, Granulomatous. Identifiers: MedGen C0678202, MeSH D003424.
Blau syndrome (BLAUS). Also called: ARTHROCUTANEOUVEAL GRANULOMATOSIS; GRANULOMATOSIS, FAMILIAL JUVENILE SYSTEMIC; GRANULOMATOSIS, FAMILIAL, BLAU TYPE; GRANULOMATOUS INFLAMMATORY ARTHRITIS, DERMATITIS, AND UVEITIS, FAMILIAL; JABS SYNDROME. Identifiers: Orphanet 90340, MedGen C5201146, MONDO:0008523, OMIM 186580.

Allele frequency attached by ClinVar (database versions not stated): ExAC 0.00001; gnomAD exomes 0.00001.
gnomAD v4.1: 15 of 1,614,202 alleles (0.00093%); highest among the groups gnomAD compares: Non-Finnish European, 0.0013%; no homozygotes.

Submission:

Labcorp Genetics (formerly Invitae), Labcorp
Classification: Uncertain significance for Regional enteritis; Blau syndrome. Last evaluated: 2023-03-30. Review status: criteria provided, single submitter. Criteria: Invitae Variant Classification Sherloc (09022015). Collection method: clinical testing. Allele origin: germline.
Comment: In summary, the available evidence is currently insufficient to determine the role of this variant in disease. Therefore, it has been classified as a Variant of Uncertain Significance. Advanced modeling of protein sequence and biophysical properties (such as structural, functional, and spatial information, amino acid conservation, physicochemical variation, residue mobility, and thermodynamic stability) performed at Invitae indicates that this missense variant is not expected to disrupt NOD2 protein function. This variant has not been reported in the literature in individuals affected with NOD2-related conditions. This variant is present in population databases (rs772287143, gnomAD 0.002%). This sequence change replaces arginine, which is basic and polar, with lysine, which is basic and polar, at codon 86 of the NOD2 protein (p.Arg86Lys).